The following is an entry in ClinVar:

NM_001040142.2(SCN2A):c.1421T>A (p.Phe474Tyr)

Gene: SCN2A (sodium voltage-gated channel alpha subunit 2; plus strand). Cytogenetic location: 2q24.3.
Variant type: single nucleotide variant.
Coding change: c.1421T>A on transcript NM_001040142.2 (MANE Select); coding-DNA position 1421, T replaced by A.
Protein change: p.Phe474Tyr; replaces phenylalanine 474 with tyrosine.
Molecular consequence: missense variant.
Genome position (GRCh38, 1-based): chr2:165,315,508, T>A. VCF-style: chr2-165315508-T-A. GRCh37 (hg19) VCF-style: chr2-166172018-T-A.
Other names: c.1421T>A, p.Phe474Tyr (NM_001040143.2, NM_001371246.1, NM_001371247.1 and 1 more transcripts); short protein forms F474Y.
Identifiers: ClinVar variation 1338891 (VCV001338891.3), dbSNP rs1290568199, ClinGen allele CA349022736.
Genomic context (GRCh38, chr2:165,315,508, plus strand): 5'-CCACATACTTTGCGCCCTTCTAGGCGGCAGCTGCAGCCGCATCTGCTGAATCAAGAGACT[T>A]CAGTGGTGCTGGTGGGATAGGAGTTTTTTCAGAGAGTTCTTCAGTAGCATCTAAGTTGAG-3'
Protein context (NP_001035232.1, residues 464-484): AAAASAESRD[Phe474Tyr]SGAGGIGVFS

ClinVar aggregate classification (germline): Uncertain significance (1 of 4 stars; one submission).

Allele frequency attached by ClinVar (database versions not stated): gnomAD 0.00001; TOPMed 0.00001; gnomAD exomes 0.00002.
gnomAD v4.1: 12 of 1,613,830 alleles (0.00074%); highest among the groups gnomAD compares: Non-Finnish European, 0.001%; no homozygotes.

Submission:

GeneDx
Classification: Uncertain significance. Last evaluated: 2023-04-05. Review status: criteria provided, single submitter. Criteria: GeneDx Variant Classification Process June 2021. Collection method: clinical testing. Allele origin: germline. Affected: yes.
Comment: Not observed at significant frequency in large population cohorts (gnomAD); Missense variants in this gene are often considered pathogenic (HGMD); In silico analysis supports that this missense variant does not alter protein structure/function; This substitution is predicted to be within the cytoplasmic loop between the first and second homology domains; Has not been previously published as pathogenic or benign to our knowledge